The following is an entry in ClinVar:

ClinVar aggregate classification (germline): Pathogenic (1 of 4 stars; one submission).

Conditions:
Junctional epidermolysis bullosa. Identifiers: Orphanet 305, MedGen C0079301, MONDO:0017612.

Submission:

Myriad Genetics, Inc.
Classification: Pathogenic for Junctional epidermolysis bullosa. Last evaluated: 2023-12-14. Review status: criteria provided, single submitter. Criteria: Myriad Autosomal Dominant, Autosomal Recessive and X-Linked Classification Criteria (2023). Collection method: clinical testing. Allele origin: unknown.
Comment: NM_005562.2(LAMC2):c.235delG(D79Tfs*30) is expected to be pathogenic in the context of junctional epidermolysis bullosa, LAMC2-related. This variant is predicted to lead to an abnormal or absent protein product due to the creation of a premature termination codon in LAMC2, a gene where loss-of-function variants are known to be pathogenic. Please note: this variant was assessed in the context of healthy population screening.

NM_005562.3(LAMC2):c.235del (p.Asp79fs)

Gene: LAMC2 (laminin subunit gamma 2; plus strand). Cytogenetic location: 1q25.3.
Variant type: Deletion.
Coding change: c.235del on transcript NM_005562.3 (MANE Select); coding-DNA position 235, one base deleted (G; older notation c.235delG).
Protein change: p.Asp79fs; shifts the reading frame from aspartic acid 79.
Molecular consequence: frameshift variant.
Genome position (GRCh38, 1-based): chr1:183,208,036, G deleted; the last of 3 consecutive G bases (chr1:183,208,034-183,208,036); deleting any one gives the same sequence. VCF-style (leftmost placement, unchanged base first): chr1-183208033-AG-A. GRCh37 (hg19) VCF-style: chr1-183177168-AG-A.
Other names: c.235del, p.Asp79fs (NM_018891.3); short protein forms D79fs.
Identifiers: ClinVar variation 5012572 (VCV005012572.1).
Genomic context (GRCh38, chr1:183,208,033, plus strand): 5'-GACAACACTGATGGCATTCACTGCGAGAAGTGCAAGAATGGCTTTTACCGGCACAGAGAA[AG>A]GGACCGCTGTTTGCCCTGCAATTGTAACTCCAAAGGTAGCTGAAAAGGACGGAAAGAGGG-3'